The following is an entry in ClinVar:

NM_019045.5(WDR44):c.1533G>A (p.Met511Ile)

Gene: WDR44 (WD repeat domain 44; plus strand). Cytogenetic location: Xq24.
Variant type: single nucleotide variant.
Coding change: c.1533G>A on transcript NM_019045.5 (MANE Select); coding-DNA position 1533, G replaced by A.
Protein change: p.Met511Ile; replaces methionine 511 with isoleucine.
Molecular consequence: missense variant.
Genome position (GRCh38, 1-based): chrX:118,407,026, G>A. VCF-style: chrX-118407026-G-A. GRCh37 (hg19) VCF-style: chrX-117540989-G-A.
Other names: c.1533G>A, p.Met511Ile (NM_001184965.2); c.1458G>A, p.Met486Ile (NM_001184966.1); short protein forms M486I, M511I.
Identifiers: ClinVar variation 4088015 (VCV004088015.1).

ClinVar aggregate classification (germline): Uncertain significance (1 of 4 stars; one submission).

Submission:

GeneDx
Classification: Uncertain significance. Last evaluated: 2025-03-26. Review status: criteria provided, single submitter. Criteria: GeneDx Variant Classification Process June 2021. Collection method: clinical testing. Allele origin: germline. Affected: yes.
Comment: Not observed at significant frequency in large population cohorts (gnomAD); In silico analysis indicates that this missense variant does not alter protein structure/function; Has not been previously published as pathogenic or benign to our knowledge